The following is an entry in ClinVar:

NM_000059.4(BRCA2):c.2258T>C (p.Phe753Ser)

Gene: BRCA2 (BRCA2 DNA repair associated; plus strand). Cytogenetic location: 13q13.1.
Variant type: single nucleotide variant.
Coding change: c.2258T>C on transcript NM_000059.4 (MANE Select); coding-DNA position 2258, T replaced by C.
Protein change: p.Phe753Ser; replaces phenylalanine 753 with serine.
Molecular consequence: missense variant.
Genome position (GRCh38, 1-based): chr13:32,336,613, T>C. VCF-style: chr13-32336613-T-C. GRCh37 (hg19) VCF-style: chr13-32910750-T-C.
Other names: short protein forms F753S.
Identifiers: ClinVar variation 143001 (VCV000143001.16), dbSNP rs587782883, ClinGen allele CA014783.

ClinVar aggregate classification (germline): Conflicting classifications of pathogenicity. Review status: criteria provided, conflicting classifications (1 of 4 stars). 3 submissions from 3 submitters: Uncertain significance (2); Likely benign (1). Last evaluated 2025-02-18.

Conditions:
Hereditary cancer-predisposing syndrome. Also called: Hereditary Cancer Syndrome; Neoplastic Syndromes, Hereditary; Hereditary neoplastic syndrome; Tumor predisposition. Identifiers: Orphanet 140162, MedGen C0027672, MeSH D009386, MONDO:0015356.
Hereditary breast ovarian cancer syndrome. Also called: BRCA1- and BRCA2-Associated Hereditary Breast and Ovarian Cancer; Hereditary breast and ovarian cancer syndrome; Hereditary breast and/or ovarian cancer syndrome; Breast and ovarian cancer; Hereditary breast and ovarian cancer; Hereditary breast and ovarian cancer syndrome (HBOC). Identifiers: Orphanet 145, MedGen C0677776, MeSH D061325, MONDO:0003582. Disease mechanism: loss of function.

Allele frequency attached by ClinVar (database versions not stated): gnomAD 0.00001; TOPMed 0.00001.
gnomAD v4.1: 1 of 1,613,954 alleles (0.000062%); highest among the groups gnomAD compares: African/African-American, 0.0013%; no homozygotes.

Submissions (3):

Labcorp Genetics (formerly Invitae), Labcorp
Classification: Uncertain significance for Hereditary breast ovarian cancer syndrome. Last evaluated: 2025-02-18. Review status: criteria provided, single submitter. Criteria: Invitae Variant Classification Sherloc (09022015). Collection method: clinical testing. Allele origin: germline.
Comment: This sequence change replaces phenylalanine, which is neutral and non-polar, with serine, which is neutral and polar, at codon 753 of the BRCA2 protein (p.Phe753Ser). This variant is not present in population databases (gnomAD no frequency). This variant has not been reported in the literature in individuals affected with BRCA2-related conditions. ClinVar contains an entry for this variant (Variation ID: 143001). Invitae Evidence Modeling of protein sequence and biophysical properties (such as structural, functional, and spatial information, amino acid conservation, physicochemical variation, residue mobility, and thermodynamic stability) indicates that this missense variant is not expected to disrupt BRCA2 protein function with a negative predictive value of 95%. In summary, the available evidence is currently insufficient to determine the role of this variant in disease. Therefore, it has been classified as a Variant of Uncertain Significance.

University of Washington Department of Laboratory Medicine, University of Washington
Classification: Likely benign for Hereditary cancer-predisposing syndrome. Last evaluated: 2023-03-23. Review status: criteria provided, single submitter. Criteria: Dines et al. (Genet Med. 2020). Collection method: curation. Allele origin: germline.
Comment: Missense variant in a coldspot region where missense variants are very unlikely to be pathogenic (PMID:31911673).

BRCA2 exon 11 coldspot. Reclassification based on statistical prior probability.

Ambry Genetics
Classification: Uncertain significance for Hereditary cancer-predisposing syndrome. Last evaluated: 2016-03-16. Review status: criteria provided, single submitter. Criteria: Ambry Variant Classification Scheme 2023. Collection method: clinical testing. Allele origin: germline.
Comment: The p.F753S variant (also known as c.2258T>C), located in coding exon 10 of the BRCA2 gene, results from a T to C substitution at nucleotide position 2258. The phenylalanine at codon 753 is replaced by serine, an amino acid with highly dissimilar properties. This variant was not reported in population based cohorts in the following databases: Database of Single Nucleotide Polymorphisms (dbSNP), NHLBI Exome Sequencing Project (ESP), and 1000 Genomes Project. In the ESP, this variant was not observed in 6503 samples (13006 alleles) with coverage at this position. To date, this alteration has been detected with an allele frequency of approximately 0.001% (greater than 225000 alleles tested) in our clinical cohort. This amino acid position is not well conserved in available vertebrate species. In addition, this alteration is predicted to be tolerated by in silico analysis. Since supporting evidence is limited at this time, the clinical significance of this alteration remains unclear.